The following is an entry in ClinVar:

ClinVar aggregate classification (germline): Uncertain significance. Review status: criteria provided, multiple submitters, no conflicts (2 of 4 stars). 2 submissions from 2 submitters: Uncertain significance (2). Last evaluated 2026-06-01.

Conditions:
Pseudoxanthoma elasticum, forme fruste. Also called: Pseudoxanthoma Elasticum, Incomplete; PSEUDOXANTHOMA ELASTICUM, HETEROZYGOUS. Identifiers: Orphanet 758, MedGen C1867450, MONDO:0008333, OMIM 177850.
Arterial calcification, generalized, of infancy, 2. Identifiers: Orphanet 51608, MedGen C3276161, MONDO:0013768, OMIM 614473.
Autosomal recessive inherited pseudoxanthoma elasticum (PXE). Identifiers: Orphanet 758, MedGen CN032334, MONDO:0009925, OMIM 264800.

gnomAD v4.1: 2 of 1,613,476 alleles (0.00012%); highest among the groups gnomAD compares: Non-Finnish European, 0.000085%; no homozygotes.

Submissions (2):

CeGaT Center for Human Genetics Tuebingen
Classification: Uncertain significance. Last evaluated: 2026-06-01. Review status: criteria provided, single submitter. Criteria: CeGaT Center For Human Genetics Tuebingen Variant Classification Criteria Version 2. Collection method: clinical testing. Allele origin: germline. Affected: yes. Observed: 1 variant allele.
Comment: ABCC6: PM2, PM3:Supporting

Fulgent Genetics
Classification: Uncertain significance for Pseudoxanthoma elasticum, forme fruste; Autosomal recessive inherited pseudoxanthoma elasticum; Arterial calcification, generalized, of infancy, 2. Last evaluated: 2024-01-30. Review status: criteria provided, single submitter. Criteria: ACMG Guidelines, 2015. Collection method: clinical testing. Allele origin: germline.

NM_001171.6(ABCC6):c.749C>G (p.Ser250Cys)

Gene: ABCC6 (ATP binding cassette subfamily C member 6; minus strand). Cytogenetic location: 16p13.11.
Variant type: single nucleotide variant.
Coding change: c.749C>G on transcript NM_001171.6 (MANE Select); coding-DNA position 749, C replaced by G.
Protein change: p.Ser250Cys; replaces serine 250 with cysteine.
Molecular consequence: missense variant. On other transcripts: non-coding transcript variant (1).
Genome position (GRCh38, 1-based): chr16:16,208,773, G>C on the plus strand (C>G on the coding strand, the complement: ABCC6 is on the minus strand). VCF-style: chr16-16208773-G-C. GRCh37 (hg19) VCF-style: chr16-16302630-G-C.
Other names: c.407C>G, p.Ser136Cys (NM_001351800.1); short protein forms S250C, S136C.
Identifiers: ClinVar variation 3578612 (VCV003578612.3).